The following is an entry in ClinVar:

ClinVar aggregate classification (germline): Uncertain significance (1 of 4 stars; one submission).

Submission:

GeneDx
Classification: Uncertain significance. Last evaluated: 2023-06-23. Review status: criteria provided, single submitter. Criteria: GeneDx Variant Classification Process June 2021. Collection method: clinical testing. Allele origin: germline. Affected: yes.
Comment: Not observed at significant frequency in large population cohorts (gnomAD); Nonsense variant predicted to result in protein truncation as the last 95 amino acids are lost, although loss-of-function variants have not been reported downstream of this position in the protein; Has not been previously published as pathogenic or benign to our knowledge

NM_002246.3(KCNK3):c.900C>A (p.Tyr300Ter)

Gene: KCNK3 (potassium two pore domain channel subfamily K member 3; plus strand). Cytogenetic location: 2p23.3.
Variant type: single nucleotide variant.
Coding change: c.900C>A on transcript NM_002246.3 (MANE Select); coding-DNA position 900, C replaced by A.
Protein change: p.Tyr300Ter; replaces tyrosine 300 with a stop codon.
Molecular consequence: nonsense.
Genome position (GRCh38, 1-based): chr2:26,728,283, C>A. VCF-style: chr2-26728283-C-A. GRCh37 (hg19) VCF-style: chr2-26951151-C-A.
Other names: short protein forms Y300*.
Identifiers: ClinVar variation 3360371 (VCV003360371.1).